The following is an entry in ClinVar:

NM_198999.3(SLC26A5):c.571-12dup

Gene: SLC26A5 (solute carrier family 26 member 5; minus strand). Cytogenetic location: 7q22.1.
Variant type: Duplication.
Coding change: c.571-12dup on transcript NM_198999.3 (MANE Select); 12 bases into the intron before coding-DNA position 571, one base duplicated (A; older notation c.571-12dupA).
Molecular consequence: intron variant.
Genome position (GRCh38, 1-based): chr7:103,410,553, T duplicated on the plus strand (A on the coding strand, the reverse complement: SLC26A5 is on the minus strand); the first of 9 consecutive T bases (chr7:103,410,553-103,410,561); duplicating any one gives the same sequence. VCF-style (leftmost placement, unchanged base first): chr7-103410552-A-AT. GRCh37 (hg19) VCF-style: chr7-103050999-A-AT.
Other names: c.571-12dup (NM_206885.3, NM_001321787.2, NM_206884.3 and 2 more transcripts).
Identifiers: ClinVar variation 1196124 (VCV001196124.15), dbSNP rs753273893, ClinGen allele CA4419754.

ClinVar aggregate classification (germline): Conflicting classifications of pathogenicity. Review status: criteria provided, conflicting classifications (1 of 4 stars). 3 submissions from 3 submitters: Uncertain significance (1); Benign (1); Likely benign (1). Last evaluated 2026-02-01.

Submissions (3):

Labcorp Genetics (formerly Invitae), Labcorp
Classification: Benign. Last evaluated: 2026-02-01. Review status: criteria provided, single submitter. Criteria: Invitae Variant Classification Sherloc (09022015). Collection method: clinical testing. Allele origin: germline.

Blueprint Genetics
Classification: Likely benign. Last evaluated: 2024-10-21. Review status: criteria provided, single submitter. Criteria: ACMG Guidelines, 2015. Collection method: clinical testing. Allele origin: germline.

GeneDx
Classification: Uncertain significance. Last evaluated: 2023-08-11. Review status: criteria provided, single submitter. Criteria: GeneDx Variant Classification Process June 2021. Collection method: clinical testing. Allele origin: germline. Affected: yes.
Comment: In-silico analysis, which includes splice predictors and evolutionary conservation, is inconclusive as to whether the variant alters gene splicing. In the absence of RNA/functional studies, the actual effect of this sequence change is unknown.; Has not been previously published as pathogenic or benign to our knowledge; Variants in candidate genes are classified as variants of uncertain significance in accordance with ACMG guidelines (Richards et al., 2015)